The following is an entry in ClinVar:

NM_015311.3(OBSL1):c.3545C>T (p.Pro1182Leu)

Gene: OBSL1 (obscurin like cytoskeletal adaptor 1; minus strand). Cytogenetic location: 2q35.
Variant type: single nucleotide variant.
Coding change: c.3545C>T on transcript NM_015311.3 (MANE Select); coding-DNA position 3545, C replaced by T.
Protein change: p.Pro1182Leu; replaces proline 1182 with leucine.
Molecular consequence: missense variant.
Genome position (GRCh38, 1-based): chr2:219,558,068, G>A on the plus strand (C>T on the coding strand, the complement: OBSL1 is on the minus strand). VCF-style: chr2-219558068-G-A. GRCh37 (hg19) VCF-style: chr2-220422790-G-A.
Other names: c.3545C>T, p.Pro1182Leu (NM_001173431.2); short protein forms P1182L.
Identifiers: ClinVar variation 2157061 (VCV002157061.1), dbSNP rs571685306, ClinGen allele CA2130824.

ClinVar aggregate classification (germline): Uncertain significance (1 of 4 stars; one submission).

Allele frequency attached by ClinVar (database versions not stated): gnomAD exomes below 0.00001; ExAC 0.00003; TOPMed 0.00005; gnomAD 0.00007; 1000 Genomes Project 0.00040; 1000 Genomes Project 30x 0.00047.
gnomAD v4.1: 17 of 1,613,718 alleles (0.0011%); highest among the groups gnomAD compares: African/African-American, 0.013%; no homozygotes.

Submission:

Labcorp Genetics (formerly Invitae), Labcorp
Classification: Uncertain significance. Last evaluated: 2022-11-01. Review status: criteria provided, single submitter. Criteria: Invitae Variant Classification Sherloc (09022015). Collection method: clinical testing. Allele origin: germline.
Comment: This sequence change replaces proline, which is neutral and non-polar, with leucine, which is neutral and non-polar, at codon 1182 of the OBSL1 protein (p.Pro1182Leu). This variant is present in population databases (rs571685306, gnomAD 0.02%). This variant has not been reported in the literature in individuals affected with OBSL1-related conditions. Algorithms developed to predict the effect of missense changes on protein structure and function (SIFT, PolyPhen-2, Align-GVGD) all suggest that this variant is likely to be tolerated. In summary, the available evidence is currently insufficient to determine the role of this variant in disease. Therefore, it has been classified as a Variant of Uncertain Significance.